The following is an entry in ClinVar:

ClinVar aggregate classification (germline): Uncertain significance. Review status: criteria provided, multiple submitters, no conflicts (2 of 4 stars). 3 submissions from 3 submitters: Uncertain significance (3). Last evaluated 2025-06-14.

Conditions:
Donnai-Barrow syndrome. Also called: DBS/FOAR SYNDROME; FACIOOCULOACOUSTICORENAL SYNDROME. Identifiers: Orphanet 2143, MedGen C1857277, MONDO:0009104, OMIM 222448.

Allele frequency attached by ClinVar (database versions not stated): TOPMed 0.00001; ExAC 0.00002; gnomAD exomes 0.00002 and 0.00003; gnomAD 0.00001.

Submissions (3):

GeneDx
Classification: Uncertain significance. Last evaluated: 2025-06-14. Review status: criteria provided, single submitter. Criteria: GeneDx Variant Classification Process June 2021. Collection method: clinical testing. Allele origin: germline. Affected: yes.
Comment: In silico analysis supports that this missense variant has a deleterious effect on protein structure/function; Has not been previously published as pathogenic or benign in association with a LRP2-related disorder to our knowledge; This variant is associated with the following publications: (PMID: 36890159, 26496393)

Labcorp Genetics (formerly Invitae), Labcorp
Classification: Uncertain significance. Last evaluated: 2022-05-03. Review status: criteria provided, single submitter. Criteria: Invitae Variant Classification Sherloc (09022015). Collection method: clinical testing. Allele origin: germline.
Comment: This sequence change replaces arginine, which is basic and polar, with cysteine, which is neutral and slightly polar, at codon 688 of the LRP2 protein (p.Arg688Cys). This variant is present in population databases (rs752833620, gnomAD 0.006%). This variant has not been reported in the literature in individuals affected with LRP2-related conditions. ClinVar contains an entry for this variant (Variation ID: 893937). Advanced modeling of protein sequence and biophysical properties (such as structural, functional, and spatial information, amino acid conservation, physicochemical variation, residue mobility, and thermodynamic stability) performed at Invitae indicates that this missense variant is expected to disrupt LRP2 protein function. In summary, the available evidence is currently insufficient to determine the role of this variant in disease. Therefore, it has been classified as a Variant of Uncertain Significance.

Illumina Laboratory Services, Illumina
Classification: Uncertain significance for Donnai-Barrow syndrome. Last evaluated: 2018-01-12. Review status: criteria provided, single submitter. Criteria: ICSL Variant Classification Criteria 13 December 2019. Collection method: clinical testing. Allele origin: germline.

NM_004525.3(LRP2):c.2062C>T (p.Arg688Cys)

Gene: LRP2 (LDL receptor related protein 2; minus strand). Cytogenetic location: 2q31.1.
Variant type: single nucleotide variant.
Coding change: c.2062C>T on transcript NM_004525.3 (MANE Select); coding-DNA position 2062, C replaced by T.
Protein change: p.Arg688Cys; replaces arginine 688 with cysteine.
Molecular consequence: missense variant.
Genome position (GRCh38, 1-based): chr2:169,272,981, G>A on the plus strand (C>T on the coding strand, the complement: LRP2 is on the minus strand). VCF-style: chr2-169272981-G-A. GRCh37 (hg19) VCF-style: chr2-170129491-G-A.
Other names: short protein forms R688C.
Identifiers: ClinVar variation 893937 (VCV000893937.6), dbSNP rs752833620, ClinGen allele CA1955401.